The following is an entry in ClinVar:

NM_201253.3(CRB1):c.547T>C (p.Cys183Arg)

Gene: CRB1 (crumbs cell polarity complex component 1; plus strand). Cytogenetic location: 1q31.3.
Variant type: single nucleotide variant.
Coding change: c.547T>C on transcript NM_201253.3 (MANE Select); coding-DNA position 547, T replaced by C.
Protein change: p.Cys183Arg; replaces cysteine 183 with arginine.
Molecular consequence: missense variant. On other transcripts: non-coding transcript variant (2).
Genome position (GRCh38, 1-based): chr1:197,328,898, T>C. VCF-style: chr1-197328898-T-C. GRCh37 (hg19) VCF-style: chr1-197298028-T-C.
Other names: c.547T>C, p.Cys183Arg (NM_001193640.2, NM_001257966.2); c.340T>C, p.Cys114Arg (NM_001257965.2); short protein forms C114R, C183R.
Identifiers: ClinVar variation 866194 (VCV000866194.8), dbSNP rs1658691162, ClinGen allele CA344081524.

ClinVar aggregate classification (germline): Conflicting classifications of pathogenicity. Review status: criteria provided, conflicting classifications (1 of 4 stars). 3 submissions from 3 submitters: Likely pathogenic (1); Uncertain significance (2). Last evaluated 2022-05-25.

Conditions:
Leber congenital amaurosis 8 (LCA8). Identifiers: Orphanet 65, MedGen C3151202, MONDO:0013453, OMIM 613835.
Retinitis pigmentosa 12 (RP12). Also called: RP WITH OR WITHOUT PPRPE; RP WITH OR WITHOUT PRESERVED PARAARTERIOLE RETINAL PIGMENT EPITHELIUM; RETINITIS PIGMENTOSA WITH OR WITHOUT PARAARTERIOLAR PRESERVATION OF RETINAL PIGMENT EPITHELIUM. Identifiers: Orphanet 791, MedGen C1838647, MONDO:0010818, OMIM 600105.

Allele frequency attached by ClinVar (database versions not stated): gnomAD exomes below 0.00001; TOPMed below 0.00001; gnomAD 0.00001.
gnomAD v4.1: 2 of 1,614,120 alleles (0.00012%); highest among the groups gnomAD compares: Non-Finnish European, 0.00017%; no homozygotes.

Submissions (3):

Blueprint Genetics
Classification: Uncertain significance. Last evaluated: 2022-05-25. Review status: criteria provided, single submitter. Criteria: ACMG Guidelines, 2015. Collection method: clinical testing. Allele origin: germline.

Labcorp Genetics (formerly Invitae), Labcorp
Classification: Uncertain significance for Leber congenital amaurosis 8; Retinitis pigmentosa 12. Last evaluated: 2021-10-14. Review status: criteria provided, single submitter. Criteria: Invitae Variant Classification Sherloc (09022015). Collection method: clinical testing. Allele origin: germline.
Comment: This sequence change replaces cysteine with arginine at codon 183 of the CRB1 protein (p.Cys183Arg). The cysteine residue is highly conserved and there is a large physicochemical difference between cysteine and arginine. This variant is not present in population databases (ExAC no frequency). This missense change has been observed in individual(s) with Leber congenital amaurosis (PMID: 27353947). ClinVar contains an entry for this variant (Variation ID: 866194). Advanced modeling of protein sequence and biophysical properties (such as structural, functional, and spatial information, amino acid conservation, physicochemical variation, residue mobility, and thermodynamic stability) performed at Invitae indicates that this missense variant is expected to disrupt CRB1 protein function. In summary, the available evidence is currently insufficient to determine the role of this variant in disease. Therefore, it has been classified as a Variant of Uncertain Significance.

Institute of Medical Molecular Genetics, University of Zurich
Classification: Likely pathogenic for Leber congenital amaurosis 8. Last evaluated: 2021-01-30. Review status: criteria provided, single submitter. Criteria: ACMG Guidelines, 2015. Collection method: clinical testing. Allele origin: unknown. Affected: yes.

Literature cited by the submitters: PubMed 27353947 (cited by Labcorp Genetics (formerly Invitae), Labcorp).